The following is an entry in ClinVar:

NM_002340.6(LSS):c.386G>A (p.Arg129Gln)

Gene: LSS (lanosterol synthase; minus strand). Cytogenetic location: 21q22.3.
Variant type: single nucleotide variant.
Coding change: c.386G>A on transcript NM_002340.6 (MANE Select); coding-DNA position 386, G replaced by A.
Protein change: p.Arg129Gln; replaces arginine 129 with glutamine.
Molecular consequence: missense variant.
Genome position (GRCh38, 1-based): chr21:46,222,672, C>T on the plus strand (G>A on the coding strand, the complement: LSS is on the minus strand). VCF-style: chr21-46222672-C-T. GRCh37 (hg19) VCF-style: chr21-47642586-C-T.
Other names: c.386G>A, p.Arg129Gln (NM_001001438.3, NM_001145436.2); c.146G>A, p.Arg49Gln (NM_001145437.2); short protein forms R49Q, R129Q.
Identifiers: ClinVar variation 2381297 (VCV002381297.4), dbSNP rs200708561, ClinGen allele CA10075498.

ClinVar aggregate classification (germline): Uncertain significance. Review status: criteria provided, multiple submitters, no conflicts (2 of 4 stars). 2 submissions from 2 submitters: Uncertain significance (2). Last evaluated 2024-09-10.

Conditions:
Inborn genetic diseases. Identifiers: MedGen C0950123, MeSH D030342.

Allele frequency attached by ClinVar (database versions not stated): ExAC 0.00003.

Submissions (2):

Labcorp Genetics (formerly Invitae), Labcorp
Classification: Uncertain significance. Last evaluated: 2024-09-10. Review status: criteria provided, single submitter. Criteria: Invitae Variant Classification Sherloc (09022015). Collection method: clinical testing. Allele origin: germline.
Comment: This sequence change replaces arginine, which is basic and polar, with glutamine, which is neutral and polar, at codon 129 of the LSS protein (p.Arg129Gln). This variant is present in population databases (rs200708561, gnomAD 0.02%). This missense change has been observed in individual(s) with hypotrichosis (internal data). In at least one individual the data is consistent with being in trans (on the opposite chromosome) from a pathogenic variant. ClinVar contains an entry for this variant (Variation ID: 2381297). An algorithm developed to predict the effect of missense changes on protein structure and function (PolyPhen-2) suggests that this variant is likely to be disruptive. In summary, the available evidence is currently insufficient to determine the role of this variant in disease. Therefore, it has been classified as a Variant of Uncertain Significance.

Ambry Genetics
Classification: Uncertain significance for Inborn genetic diseases. Last evaluated: 2022-09-26. Review status: criteria provided, single submitter. Criteria: Ambry Variant Classification Scheme 2023. Collection method: clinical testing. Allele origin: germline.